The following is an entry in ClinVar:

ClinVar aggregate classification (germline): Uncertain significance (1 of 4 stars; one submission).

Conditions:
Hereditary cancer-predisposing syndrome. Also called: Neoplastic Syndromes, Hereditary; Tumor predisposition; Hereditary neoplastic syndrome; Hereditary Cancer Syndrome. Identifiers: Orphanet 140162, MedGen C0027672, MeSH D009386, MONDO:0015356.

Submission:

Ambry Genetics
Classification: Uncertain significance for Hereditary cancer-predisposing syndrome. Last evaluated: 2026-07-29. Review status: criteria provided, single submitter. Criteria: Ambry Variant Classification Scheme 2023. Collection method: clinical testing. Allele origin: germline.
Comment: The p.P26S variant (also known as c.76C>T), located in coding exon 1 of the FH gene, results from a C to T substitution at nucleotide position 76. The proline at codon 26 is replaced by serine, an amino acid with similar properties. This amino acid position is not well conserved in available vertebrate species, and serine is the reference amino acid in other vertebrate species. In addition, the in silico prediction for this alteration is inconclusive. Based on the available evidence, the clinical significance of this variant remains unclear.

NM_000143.4(FH):c.76C>T (p.Pro26Ser)

Gene: FH (fumarate hydratase; minus strand). Cytogenetic location: 1q43.
Variant type: single nucleotide variant.
Coding change: c.76C>T on transcript NM_000143.4 (MANE Select); coding-DNA position 76, C replaced by T.
Protein change: p.Pro26Ser; replaces proline 26 with serine.
Molecular consequence: missense variant.
Genome position (GRCh38, 1-based): chr1:241,519,647, G>A on the plus strand (C>T on the coding strand, the complement: FH is on the minus strand). VCF-style: chr1-241519647-G-A. GRCh37 (hg19) VCF-style: chr1-241682947-G-A.
Other names: short protein forms P26S.
Identifiers: ClinVar variation 5021770 (VCV005021770.1).